The following is an entry in ClinVar:

NM_001165963.4(SCN1A):c.4637G>C (p.Ser1546Thr)

Genes: SCN1A (sodium voltage-gated channel alpha subunit 1; minus strand), LOC102724058 (uncharacterized LOC102724058; plus strand). Cytogenetic location: 2q24.3.
Variant type: single nucleotide variant.
Coding change: c.4637G>C on transcript NM_001165963.4 (MANE Select); coding-DNA position 4637, G replaced by C.
Protein change: p.Ser1546Thr; replaces serine 1546 with threonine.
Molecular consequence: missense variant. On other transcripts: non-coding transcript variant (1).
Genome position (GRCh38, 1-based): chr2:165,994,361, C>G on the plus strand (G>C on the coding strand, the complement: SCN1A is on the minus strand). VCF-style: chr2-165994361-C-G. GRCh37 (hg19) VCF-style: chr2-166850871-C-G.
Other names: c.4553G>C, p.Ser1518Thr (NM_001165964.3, NM_001353957.2, NM_001353958.2); c.4637G>C, p.Ser1546Thr (NM_001202435.3, NM_001353948.2); c.4604G>C, p.Ser1535Thr (NM_001353949.2, NM_001353950.2, NM_001353951.2 and 2 more transcripts); c.4601G>C, p.Ser1534Thr (NM_001353954.2, NM_001353955.2); c.4550G>C, p.Ser1517Thr (NM_001353960.2); c.2195G>C, p.Ser732Thr (NM_001353961.2); short protein forms S1517T, S1518T, S1534T, S1535T, S1546T, S732T.
Identifiers: ClinVar variation 4085226 (VCV004085226.8).
Genomic context (GRCh38, chr2:165,994,361, plus strand): 5'-CTCTGGTCATCTGTTTCCACCATCATTGTGACCATGTTAAGACAGATGAGAATCATGATG[C>G]TTATGTCAAAAACTTGTCTGGTTACGAAGTCAAAGACCATTCCTTGAAATTTGTTCTGTA-3'
Protein context (NP_001159435.1, residues 1536-1556): DFVTRQVFDI[Ser1546Thr]IMILICLNMV

ClinVar aggregate classification (germline): Uncertain significance (1 of 4 stars; one submission).

Submission:

CeGaT Center for Human Genetics Tuebingen
Classification: Uncertain significance. Last evaluated: 2025-06-01. Review status: criteria provided, single submitter. Criteria: CeGaT Center For Human Genetics Tuebingen Variant Classification Criteria Version 2. Collection method: clinical testing. Allele origin: germline. Affected: yes. Observed: 1 variant allele.
Comment: SCN1A: PM2